The following is an entry in ClinVar:

NM_020831.6(MRTFA):c.767C>T (p.Ser256Phe)

Gene: MRTFA (myocardin related transcription factor A; minus strand). Cytogenetic location: 22q13.1.
Variant type: single nucleotide variant.
Coding change: c.767C>T on transcript NM_020831.6 (MANE Select); coding-DNA position 767, C replaced by T.
Protein change: p.Ser256Phe; replaces serine 256 with phenylalanine.
Molecular consequence: missense variant.
Genome position (GRCh38, 1-based): chr22:40,424,216, G>A on the plus strand (C>T on the coding strand, the complement: MRTFA is on the minus strand). VCF-style: chr22-40424216-G-A. GRCh37 (hg19) VCF-style: chr22-40820220-G-A.
Other names: c.467C>T, p.Ser156Phe (NM_001282660.2); c.767C>T, p.Ser256Phe (NM_001282661.3, NM_001282662.3); c.572C>T, p.Ser191Phe (NM_001318139.2); short protein forms S191F, S256F, S156F.
Identifiers: ClinVar variation 1959368 (VCV001959368.5), dbSNP rs754807329, ClinGen allele CA411665919.

ClinVar aggregate classification (germline): Uncertain significance (1 of 4 stars; one submission).

Submission:

Labcorp Genetics (formerly Invitae), Labcorp
Classification: Uncertain significance. Last evaluated: 2025-10-21. Review status: criteria provided, single submitter. Criteria: Invitae Variant Classification Sherloc (09022015). Collection method: clinical testing. Allele origin: germline.
Comment: This sequence change replaces serine, which is neutral and polar, with phenylalanine, which is neutral and non-polar, at codon 156 of the MKL1 protein (p.Ser156Phe). This variant is not present in population databases (gnomAD no frequency). This variant has not been reported in the literature in individuals affected with MKL1-related conditions. ClinVar contains an entry for this variant (Variation ID: 1959368). An algorithm developed to predict the effect of missense changes on protein structure and function (PolyPhen-2) suggests that this variant is likely to be tolerated. In summary, the available evidence is currently insufficient to determine the role of this variant in disease. Therefore, it has been classified as a Variant of Uncertain Significance.